The following is an entry in ClinVar:

ClinVar aggregate classification (germline): Uncertain significance (1 of 4 stars; one submission).

Allele frequency attached by ClinVar (database versions not stated): gnomAD exomes below 0.00001.
gnomAD v4.1: 4 of 1,601,980 alleles (0.00025%); highest among the groups gnomAD compares: Admixed American, 0.0017%; no homozygotes.

Submission:

Labcorp Genetics (formerly Invitae), Labcorp
Classification: Uncertain significance. Last evaluated: 2023-11-27. Review status: criteria provided, single submitter. Criteria: Invitae Variant Classification Sherloc (09022015). Collection method: clinical testing. Allele origin: germline.
Comment: This sequence change affects codon 450 of the PTPN23 mRNA. It is a 'silent' change, meaning that it does not change the encoded amino acid sequence of the PTPN23 protein. This variant is not present in population databases (gnomAD no frequency). This variant has not been reported in the literature in individuals affected with PTPN23-related conditions. ClinVar contains an entry for this variant (Variation ID: 1967145). Algorithms developed to predict the effect of sequence changes on RNA splicing suggest that this variant may disrupt the consensus splice site. In summary, the available evidence is currently insufficient to determine the role of this variant in disease. Therefore, it has been classified as a Variant of Uncertain Significance.

NM_015466.4(PTPN23):c.1350G>A (p.Thr450=)

Gene: PTPN23 (protein tyrosine phosphatase non-receptor type 23; plus strand). Cytogenetic location: 3p21.31.
Variant type: single nucleotide variant.
Coding change: c.1350G>A on transcript NM_015466.4 (MANE Select); coding-DNA position 1350, G replaced by A.
Protein change: p.Thr450=; no amino-acid change (threonine 450 retained).
Molecular consequence: synonymous variant.
Genome position (GRCh38, 1-based): chr3:47,408,795, G>A. VCF-style: chr3-47408795-G-A. GRCh37 (hg19) VCF-style: chr3-47450285-G-A.
Other names: c.972G>A, p.Thr324= (NM_001304482.2).
Identifiers: ClinVar variation 1967145 (VCV001967145.5), dbSNP rs2546246197, ClinGen allele CA433604201.
Genomic context (GRCh38, chr3:47,408,795, plus strand): 5'-CAGCCTGCCTCAGGGGCTGCCTGTACAATCCACAACCCCAGTGCTGTCAGGTGTGTTCAC[G>A]GATGTGGAGGCTTCCCTGAAGGACATCAGAGATCTGTTGGAGGAGGATGAGCTGCTAGAG-3'
Protein context (NP_056281.1, residues 440-460): QSMQVLSGVF[Thr450=]DVEASLKDIR